The following is an entry in ClinVar:

ClinVar aggregate classification (germline): Uncertain significance (1 of 4 stars; one submission).

Conditions:
Cardiovascular phenotype. Identifiers: MedGen CN230736.

Submission:

Ambry Genetics
Classification: Uncertain significance for Cardiovascular phenotype. Last evaluated: 2026-09-12. Review status: criteria provided, single submitter. Criteria: Ambry Variant Classification Scheme 2023. Collection method: clinical testing. Allele origin: germline.
Comment: The p.E183D variant (also known as c.549G>T), located in coding exon 4 of the PRKAG2 gene, results from a G to T substitution at nucleotide position 549. The glutamic acid at codon 183 is replaced by aspartic acid, an amino acid with highly similar properties. This amino acid position is conserved. In addition, the in silico prediction for this alteration is inconclusive. Based on the available evidence, the clinical significance of this variant remains unclear.

NM_016203.4(PRKAG2):c.549G>T (p.Glu183Asp)

Gene: PRKAG2 (protein kinase AMP-activated non-catalytic subunit gamma 2; minus strand). Cytogenetic location: 7q36.1.
Variant type: single nucleotide variant.
Coding change: c.549G>T on transcript NM_016203.4 (MANE Select); coding-DNA position 549, G replaced by T.
Protein change: p.Glu183Asp; replaces glutamic acid 183 with aspartic acid.
Molecular consequence: missense variant. On other transcripts: intron variant (5).
Genome position (GRCh38, 1-based): chr7:151,675,555, C>A on the plus strand (G>T on the coding strand, the complement: PRKAG2 is on the minus strand). VCF-style: chr7-151675555-C-A. GRCh37 (hg19) VCF-style: chr7-151372641-C-A.
Other names: c.417G>T, p.Glu139Asp (NM_001040633.2, NM_001407024.1, NM_001407026.1 and 1 more transcripts); c.177G>T, p.Glu59Asp (NM_001304527.2, NM_001363698.2, NM_001407028.1 and 1 more transcripts); c.549G>T, p.Glu183Asp (NM_001407021.1, NM_001407022.1, NM_001407023.1); c.231G>T, p.Glu77Asp (NM_001407032.1); c.467-80104G>T (NM_001407031.1); c.467-80101G>T (NM_001407030.1); c.361-43417G>T (NM_001407033.1); c.94+60345G>T (NM_001407037.1); and 1 more; short protein forms E77D, E183D, E59D, E139D.
Identifiers: ClinVar variation 5027285 (VCV005027285.1).